The following is an entry in ClinVar:

NM_001943.5(DSG2):c.994G>A (p.Gly332Arg)

Gene: DSG2 (desmoglein 2; plus strand). Cytogenetic location: 18q12.1.
Variant type: single nucleotide variant.
Coding change: c.994G>A on transcript NM_001943.5 (MANE Select); coding-DNA position 994, G replaced by A.
Protein change: p.Gly332Arg; replaces glycine 332 with arginine.
Molecular consequence: missense variant.
Genome position (GRCh38, 1-based): chr18:31,524,868, G>A. VCF-style: chr18-31524868-G-A. GRCh37 (hg19) VCF-style: chr18-29104831-G-A.
Other names: short protein forms G332R.
Identifiers: ClinVar variation 1879393 (VCV001879393.33), dbSNP rs2510912985, ClinGen allele CA402135934.
Genomic context (GRCh38, chr18:31,524,868, plus strand): 5'-TTTGCATCAGGAAATGAAGGAGGTTATTTCCACATAGAAACAGATGCTCAAACTAACGAA[G>A]GAATTGTGACCCTTATTAAGGTAAGTACTAAGTATTCAAAACTGGCGTGGGCCAAGTTGG-3'
Protein context (NP_001934.2, residues 322-342): HIETDAQTNE[Gly332Arg]IVTLIKEVDY

ClinVar aggregate classification (germline): Uncertain significance. Review status: criteria provided, multiple submitters, no conflicts (2 of 4 stars). 3 submissions from 3 submitters: Uncertain significance (2). 1 of the submissions does not count toward it. Last evaluated 2022-11-11.

Conditions:
Arrhythmogenic right ventricular dysplasia 10. Also called: Arrhythmogenic Right Ventricular Dysplasia/Cardiomyopathy10; ARRHYTHMOGENIC RIGHT VENTRICULAR DYSPLASIA, FAMILIAL, 10; Arrhythmogenic right ventricular dysplasia/cardiomyopathy, type 10. Identifiers: MedGen C1857777, MONDO:0012434, OMIM 610193.

Submissions (3):

Labcorp Genetics (formerly Invitae), Labcorp
Classification: Uncertain significance for Arrhythmogenic right ventricular dysplasia 10. Last evaluated: 2022-11-11. Review status: criteria provided, single submitter. Criteria: Invitae Variant Classification Sherloc (09022015). Collection method: clinical testing. Allele origin: germline.
Comment: In summary, the available evidence is currently insufficient to determine the role of this variant in disease. Therefore, it has been classified as a Variant of Uncertain Significance. Algorithms developed to predict the effect of missense changes on protein structure and function (SIFT, PolyPhen-2, Align-GVGD) all suggest that this variant is likely to be disruptive. This variant has not been reported in the literature in individuals affected with DSG2-related conditions. This variant is not present in population databases (gnomAD no frequency). This sequence change replaces glycine, which is neutral and non-polar, with arginine, which is basic and polar, at codon 332 of the DSG2 protein (p.Gly332Arg).

CeGaT Center for Human Genetics Tuebingen
Classification: Uncertain significance. Last evaluated: 2022-10-01. Review status: criteria provided, single submitter. Criteria: CeGaT Center For Human Genetics Tuebingen Variant Classification Criteria Version 2. Collection method: clinical testing. Allele origin: germline. Affected: yes. Observed: 2 variant alleles.
Comment: DSG2: PM2

Center for Human Genetics and Genomic Medicine, Uniklinik Rwth Aachen
Classification: Likely pathogenic for Arrhythmogenic right ventricular dysplasia 10. Last evaluated: 2025-06-18. Review status: no assertion criteria provided. Collection method: clinical testing. Allele origin: biparental. Inheritance: Autosomal recessive inheritance. Affected: yes. Observed: 1 homozygote. Not counted in ClinVar's aggregate classification.
Comment: The variant is located in a hotspot region, it is not present in population databases. There is a ClinVar entry in an affected person.PM1, PP3_mod, PM2_sup, PM3_sup